The following is an entry in ClinVar:

NM_003801.4(GPAA1):c.107T>G (p.Phe36Cys)

Gene: GPAA1 (glycosylphosphatidylinositol anchor attachment 1; plus strand). Cytogenetic location: 8q24.3.
Variant type: single nucleotide variant.
Coding change: c.107T>G on transcript NM_003801.4 (MANE Select); coding-DNA position 107, T replaced by G.
Protein change: p.Phe36Cys; replaces phenylalanine 36 with cysteine.
Molecular consequence: missense variant.
Genome position (GRCh38, 1-based): chr8:144,083,156, T>G. VCF-style: chr8-144083156-T-G. GRCh37 (hg19) VCF-style: chr8-145138059-T-G.
Other names: c.107T>G (NM_003801.3); short protein forms F36C.
Identifiers: ClinVar variation 3652348 (VCV003652348.3).
Genomic context (GRCh38, chr8:144,083,156, plus strand): 5'-TCCGGTGCCCCTCCGTCCTCTCTCACAGCGTGCTGAGCTACGTGGCGGGCATCGCCTGGT[T>G]CTTGGCGCTGGTTTTCCCGCCGCTGACCCAGCGCACTTACATGTCGGAGAACGCCATGGG-3'
Protein context (NP_003792.1, residues 26-46): VLSYVAGIAW[Phe36Cys]LALVFPPLTQ

ClinVar aggregate classification (germline): Uncertain significance. Review status: criteria provided, multiple submitters, no conflicts (2 of 4 stars). 2 submissions from 2 submitters: Uncertain significance (2). Last evaluated 2025-06-23.

Submissions (2):

GeneDx
Classification: Uncertain significance. Last evaluated: 2025-06-23. Review status: criteria provided, single submitter. Criteria: GeneDx Variant Classification Process June 2021. Collection method: clinical testing. Allele origin: germline. Affected: yes.
Comment: Not observed at significant frequency in large population cohorts (gnomAD); In silico analysis supports that this missense variant has a deleterious effect on protein structure/function; Has not been previously published as pathogenic or benign to our knowledge

Labcorp Genetics (formerly Invitae), Labcorp
Classification: Uncertain significance. Last evaluated: 2024-09-22. Review status: criteria provided, single submitter. Criteria: Invitae Variant Classification Sherloc (09022015). Collection method: clinical testing. Allele origin: germline.
Comment: This sequence change replaces phenylalanine, which is neutral and non-polar, with cysteine, which is neutral and slightly polar, at codon 36 of the GPAA1 protein (p.Phe36Cys). This variant is not present in population databases (gnomAD no frequency). This variant has not been reported in the literature in individuals affected with GPAA1-related conditions. Invitae Evidence Modeling of protein sequence and biophysical properties (such as structural, functional, and spatial information, amino acid conservation, physicochemical variation, residue mobility, and thermodynamic stability) indicates that this missense variant is expected to disrupt GPAA1 protein function with a positive predictive value of 80%. In summary, the available evidence is currently insufficient to determine the role of this variant in disease. Therefore, it has been classified as a Variant of Uncertain Significance.